The following is an entry in ClinVar:

NM_000388.4(CASR):c.349C>T (p.Gln117Ter)

Gene: CASR (calcium sensing receptor; plus strand). Cytogenetic location: 3q21.1.
Variant type: single nucleotide variant.
Coding change: c.349C>T on transcript NM_000388.4 (MANE Select); coding-DNA position 349, C replaced by T.
Protein change: p.Gln117Ter; replaces glutamine 117 with a stop codon.
Molecular consequence: nonsense.
Genome position (GRCh38, 1-based): chr3:122,257,244, C>T. VCF-style: chr3-122257244-C-T. GRCh37 (hg19) VCF-style: chr3-121976091-C-T.
Other names: c.349C>T, p.Gln117Ter (NM_001178065.2); short protein forms Q117*.
Identifiers: ClinVar variation 1451604 (VCV001451604.34), dbSNP rs2107627659, ClinGen allele CA354362703.

ClinVar aggregate classification (germline): Pathogenic. Review status: criteria provided, multiple submitters, no conflicts (2 of 4 stars). 2 submissions from 2 submitters: Pathogenic (2). Last evaluated 2022-10-01.

Conditions:
Autosomal dominant hypocalcemia 1 (HYPOC1). Also called: HYPOCALCEMIA, FAMILIAL. Identifiers: MedGen C3715128, MONDO:0011013, OMIM 601198.
Familial hypocalciuric hypercalcemia (FHH). Also called: Familial benign hypercalcemia. Identifiers: Orphanet 405, MedGen C1809471, MONDO:0018458.

Submissions (2):

CeGaT Center for Human Genetics Tuebingen
Classification: Pathogenic. Last evaluated: 2022-10-01. Review status: criteria provided, single submitter. Criteria: CeGaT Center For Human Genetics Tuebingen Variant Classification Criteria Version 2. Collection method: clinical testing. Allele origin: germline. Affected: yes. Observed: 1 variant allele.
Comment: CASR: PVS1, PM2, PP4

Labcorp Genetics (formerly Invitae), Labcorp
Classification: Pathogenic for Familial hypocalciuric hypercalcemia; Autosomal dominant hypocalcemia 1. Last evaluated: 2021-11-19. Review status: criteria provided, single submitter. Criteria: Invitae Variant Classification Sherloc (09022015). Collection method: clinical testing. Allele origin: germline.
Comment: For these reasons, this variant has been classified as Pathogenic. This variant has not been reported in the literature in individuals affected with CASR-related conditions. This variant is not present in population databases (gnomAD no frequency). This sequence change creates a premature translational stop signal (p.Gln117*) in the CASR gene. It is expected to result in an absent or disrupted protein product. Loss-of-function variants in CASR are known to be pathogenic (PMID: 22422767).

Literature cited by the submitters: PubMed 22422767 (cited by Labcorp Genetics (formerly Invitae), Labcorp).